The following is an entry in ClinVar:

NM_000135.4(FANCA):c.2103G>T (p.Lys701Asn)

Gene: FANCA (FA complementation group A; minus strand). Cytogenetic location: 16q24.3.
Variant type: single nucleotide variant.
Coding change: c.2103G>T on transcript NM_000135.4 (MANE Select); coding-DNA position 2103, G replaced by T.
Protein change: p.Lys701Asn; replaces lysine 701 with asparagine.
Molecular consequence: missense variant.
Genome position (GRCh38, 1-based): chr16:89,771,726, C>A on the plus strand (G>T on the coding strand, the complement: FANCA is on the minus strand). VCF-style: chr16-89771726-C-A. GRCh37 (hg19) VCF-style: chr16-89838134-C-A.
Other names: c.2103G>T, p.Lys701Asn (NM_001286167.3); short protein forms K701N.
Identifiers: ClinVar variation 4067959 (VCV004067959.2).

ClinVar aggregate classification (germline): Uncertain significance. Review status: criteria provided, single submitter (1 of 4 stars). 2 submissions from 2 submitters: Uncertain significance (1). 1 of the submissions does not count toward it. Last evaluated 2026-02-17.

Conditions:
Fanconi anemia (FA). Also called: Fanconi's anemia. Identifiers: Orphanet 84, MedGen C0015625, MeSH D005199, MONDO:0019391.
Inborn genetic diseases. Identifiers: MedGen C0950123, MeSH D030342.

gnomAD v4.1: 1 of 1,614,186 alleles (0.000062%); highest among the groups gnomAD compares: Non-Finnish European, 0.000085%; no homozygotes.

Submissions (2):

Ambry Genetics
Classification: Uncertain significance for Inborn genetic diseases. Last evaluated: 2026-02-17. Review status: criteria provided, single submitter. Criteria: Ambry Variant Classification Scheme 2023. Collection method: clinical testing. Allele origin: germline.
Comment: The p.K701N variant (also known as c.2103G>T), located in coding exon 23 of the FANCA gene, results from a G to T substitution at nucleotide position 2103. The lysine at codon 701 is replaced by asparagine, an amino acid with similar properties. This amino acid position is conserved. In addition, this alteration is predicted to be tolerated by in silico analysis. Based on the available evidence, the clinical significance of this variant remains unclear.

Natera, Inc.
Classification: Uncertain significance for Fanconi anemia. Last evaluated: 2025-04-10. Review status: no assertion criteria provided. Collection method: clinical testing. Allele origin: germline. Not counted in ClinVar's aggregate classification.